The following is an entry in ClinVar:

ClinVar aggregate classification (germline): Likely benign. Review status: criteria provided, multiple submitters, no conflicts (2 of 4 stars). 3 submissions from 3 submitters: Likely benign (3). Last evaluated 2025-07-29.

Conditions:
Hereditary cancer-predisposing syndrome. Also called: Hereditary Cancer Syndrome; Hereditary neoplastic syndrome; Neoplastic Syndromes, Hereditary; Tumor predisposition. Identifiers: Orphanet 140162, MedGen C0027672, MeSH D009386, MONDO:0015356.
Hereditary nonpolyposis colorectal neoplasms. Identifiers: MedGen C0009405, MeSH D003123.

Submissions (3):

Labcorp Genetics (formerly Invitae), Labcorp
Classification: Likely benign for Hereditary nonpolyposis colorectal neoplasms. Last evaluated: 2025-07-29. Review status: criteria provided, single submitter. Criteria: Invitae Variant Classification Sherloc (09022015). Collection method: clinical testing. Allele origin: germline.

Color Diagnostics, LLC DBA Color Health
Classification: Likely benign for Hereditary cancer-predisposing syndrome. Last evaluated: 2017-02-03. Review status: criteria provided, single submitter. Criteria: ACMG Guidelines, 2015. Collection method: clinical testing. Allele origin: germline.

GeneDx
Classification: Likely benign. Last evaluated: 2016-10-24. Review status: criteria provided, single submitter. Criteria: GeneDx Variant Classification (06012015). Collection method: clinical testing. Allele origin: germline. Affected: yes.
Comment: This variant is considered likely benign or benign based on one or more of the following criteria: it is a conservative change, it occurs at a poorly conserved position in the protein, it is predicted to be benign by multiple in silico algorithms, and/or has population frequency not consistent with disease.

NM_000535.7(PMS2):c.250+12T>C

Gene: PMS2 (PMS1 homolog 2, mismatch repair system component; minus strand). Cytogenetic location: 7p22.1.
Variant type: single nucleotide variant.
Coding change: c.250+12T>C on transcript NM_000535.7 (MANE Select); 12 bases into the intron after coding-DNA position 250, T replaced by C.
Molecular consequence: intron variant.
Genome position (GRCh38, 1-based): chr7:6,003,960, A>G on the plus strand (T>C on the coding strand, the complement: PMS2 is on the minus strand). VCF-style: chr7-6003960-A-G. GRCh37 (hg19) VCF-style: chr7-6043591-A-G.
Other names: c.-156+12T>C (NM_001322010.2, NM_001322004.2, NM_001322013.2 and 3 more transcripts); c.-635+12T>C (NM_001322012.2, NM_001322011.2); c.-235+12T>C (NM_001322015.2); c.35+12T>C (NM_001322007.2, NM_001322008.2); c.250+12T>C (NM_001322006.2, NM_001322014.2).
Identifiers: ClinVar variation 390392 (VCV000390392.11), dbSNP rs1057523757, ClinGen allele CA16605126.